The following is an entry in ClinVar:

ClinVar aggregate classification (germline): Uncertain significance (1 of 4 stars; one submission).

Conditions:
Capillary malformation-arteriovenous malformation syndrome. Also called: Capillary malformation-arteriovenous malformation. Identifiers: Orphanet 137667, MedGen C1842180, MONDO:0012016.

Allele frequency attached by ClinVar (database versions not stated): gnomAD exomes below 0.00001.
gnomAD v4.1: 1 of 1,613,622 alleles (0.000062%); highest among the groups gnomAD compares: Non-Finnish European, 0.000085%; no homozygotes.

Submission:

Labcorp Genetics (formerly Invitae), Labcorp
Classification: Uncertain significance for Capillary malformation-arteriovenous malformation syndrome. Last evaluated: 2023-02-03. Review status: criteria provided, single submitter. Criteria: Invitae Variant Classification Sherloc (09022015). Collection method: clinical testing. Allele origin: germline.
Comment: ClinVar contains an entry for this variant (Variation ID: 1473150). In summary, the available evidence is currently insufficient to determine the role of this variant in disease. Therefore, it has been classified as a Variant of Uncertain Significance. Algorithms developed to predict the effect of missense changes on protein structure and function (SIFT, PolyPhen-2, Align-GVGD) all suggest that this variant is likely to be tolerated. This variant has not been reported in the literature in individuals affected with RASA1-related conditions. This variant is not present in population databases (gnomAD no frequency). This sequence change replaces glycine, which is neutral and non-polar, with glutamic acid, which is acidic and polar, at codon 584 of the RASA1 protein (p.Gly584Glu).

NM_002890.3(RASA1):c.1751G>A (p.Gly584Glu)

Genes: CCNH (cyclin H; minus strand), RASA1 (RAS p21 protein activator 1; plus strand). Cytogenetic location: 5q14.3.
Variant type: single nucleotide variant.
Coding change: c.1751G>A on transcript NM_002890.3 (MANE Select); coding-DNA position 1751, G replaced by A.
Protein change: p.Gly584Glu; replaces glycine 584 with glutamic acid.
Molecular consequence: missense variant. On other transcripts: intron variant (1).
Genome position (GRCh38, 1-based): chr5:87,372,170, G>A. VCF-style: chr5-87372170-G-A. GRCh37 (hg19) VCF-style: chr5-86667987-G-A.
Other names: c.1220G>A, p.Gly407Glu (NM_022650.3); c.933+22874C>T (NM_001364075.2); short protein forms G584E, G407E.
Identifiers: ClinVar variation 1473150 (VCV001473150.6), dbSNP rs2112480098, ClinGen allele CA360373171.
Genomic context (GRCh38, chr5:87,372,170, plus strand): 5'-CTTTGCAGGATTGGATGAAAGGTCTGCAGGCATTTTGCAATTTACGGAAAAGTAGTCCAG[G>A]GACATCCAATAAACGCCTTCGTCAGGTGAAGCTTAATTTTCTTGGATTTTTAATTGTCAC-3'
Protein context (NP_002881.1, residues 574-594): AFCNLRKSSP[Gly584Glu]TSNKRLRQVS